The following is an entry in ClinVar:

NM_000329.3(RPE65):c.777dup (p.Asn260Ter)

Gene: RPE65 (retinoid isomerohydrolase RPE65; minus strand). Cytogenetic location: 1p31.3.
Variant type: Duplication.
Coding change: c.777dup on transcript NM_000329.3 (MANE Select); coding-DNA position 777, one base duplicated (T; older notation c.777dupT).
Protein change: p.Asn260Ter; replaces asparagine 260 with a stop codon.
Molecular consequence: nonsense.
Genome position (GRCh38, 1-based): chr1:68,439,272, A duplicated on the plus strand (T on the coding strand, the reverse complement: RPE65 is on the minus strand); the first of 2 consecutive A bases (chr1:68,439,272-68,439,273); duplicating either gives the same sequence. VCF-style (leftmost placement, unchanged base first): chr1-68439271-T-TA. GRCh37 (hg19) VCF-style: chr1-68904954-T-TA.
Other names: short protein forms N260*.
Identifiers: ClinVar variation 1072065 (VCV001072065.7), dbSNP rs2100819190, ClinGen allele CA2499214843.

ClinVar aggregate classification (germline): Pathogenic (1 of 4 stars; one submission).

Conditions:
Leber congenital amaurosis 2 (LCA2). Also called: Autosomal Recessive RPE65-Related Retinal Degeneration; AMAUROSIS CONGENITA OF LEBER II. Identifiers: Orphanet 65, MedGen C1859844, MONDO:0008765, OMIM 204100. Disease mechanism: loss of function.
Retinitis pigmentosa 20 (RP20). Identifiers: Orphanet 791, MedGen C3151086, MONDO:0013425, OMIM 613794.

Submission:

Labcorp Genetics (formerly Invitae), Labcorp
Classification: Pathogenic for Leber congenital amaurosis 2; Retinitis pigmentosa 20. Last evaluated: 2025-01-06. Review status: criteria provided, single submitter. Criteria: Invitae Variant Classification Sherloc (09022015). Collection method: clinical testing. Allele origin: germline.
Comment: This sequence change creates a premature translational stop signal (p.Asn260*) in the RPE65 gene. It is expected to result in an absent or disrupted protein product. Loss-of-function variants in RPE65 are known to be pathogenic (PMID: 9326941, 9501220, 9843205, 18632300). This variant is not present in population databases (gnomAD no frequency). This variant has not been reported in the literature in individuals affected with RPE65-related conditions. ClinVar contains an entry for this variant (Variation ID: 1072065). Algorithms developed to predict the effect of sequence changes on RNA splicing suggest that this variant may disrupt the consensus splice site. For these reasons, this variant has been classified as Pathogenic.

Literature cited by the submitters: PubMed 9326941; PubMed 9501220; PubMed 9843205; PubMed 18632300.